The following is an entry in ClinVar:

ClinVar aggregate classification (germline): Likely pathogenic (1 of 4 stars; one submission).

Submission:

GeneDx
Classification: Likely pathogenic. Last evaluated: 2017-07-06. Review status: criteria provided, single submitter. Criteria: GeneDx Variant Classification (06012015). Collection method: clinical testing. Allele origin: germline. Affected: yes.
Comment: The E548X variant in the CENPJ gene has not been reported previously as a pathogenic variant nor as a benignvariant, to our knowledge. This variant is predicted to cause loss of normal protein function either through proteintruncation or nonsense-mediated mRNA decay. The E548X variant is not observed in large population cohorts (Lek etal., 2016; 1000 Genomes Consortium et al., 2015; Exome Variant Server). We interpret E548X as a likelypathogenic variant.

NM_018451.5(CPAP):c.1642G>T (p.Glu548Ter)

Gene: CPAP (centrosome assembly and centriole elongation protein; minus strand). Cytogenetic location: 13q12.13.
Variant type: single nucleotide variant.
Coding change: c.1642G>T on transcript NM_018451.5 (MANE Select); coding-DNA position 1642, G replaced by T.
Protein change: p.Glu548Ter; replaces glutamic acid 548 with a stop codon.
Molecular consequence: nonsense. On other transcripts: non-coding transcript variant (2).
Genome position (GRCh38, 1-based): chr13:24,906,396, C>A on the plus strand (G>T on the coding strand, the complement: CPAP is on the minus strand). VCF-style: chr13-24906396-C-A. GRCh37 (hg19) VCF-style: chr13-25480534-C-A.
Other names: short protein forms E548*.
Identifiers: ClinVar variation 489022 (VCV000489022.2), dbSNP rs1555297827, ClinGen allele CA387587549.